The following is an entry in ClinVar:

NM_001394062.1(MACF1):c.1244G>A (p.Arg415Gln)

Gene: MACF1 (microtubule actin crosslinking factor 1; plus strand). Cytogenetic location: 1p34.3.
Variant type: single nucleotide variant.
Coding change: c.1244G>A on transcript NM_001394062.1 (MANE Select); coding-DNA position 1244, G replaced by A.
Protein change: p.Arg415Gln; replaces arginine 415 with glutamine.
Molecular consequence: missense variant.
Genome position (GRCh38, 1-based): chr1:39,285,195, G>A. VCF-style: chr1-39285195-G-A. GRCh37 (hg19) VCF-style: chr1-39750867-G-A.
Other names: c.1259G>A, p.Arg420Gln (NM_012090.5); short protein forms R415Q, R420Q.
Identifiers: ClinVar variation 3057975 (VCV003057975.3), dbSNP rs778364941, ClinGen allele CA779386.

ClinVar aggregate classification (germline): Uncertain significance. Review status: criteria provided, single submitter (1 of 4 stars). 2 submissions from 2 submitters: Uncertain significance (1). 1 of the submissions does not count toward it. Last evaluated 2026-01-19.

Conditions:
MACF1-related disorder. Also called: MACF1-related condition.

Allele frequency attached by ClinVar (database versions not stated): TOPMed 0.00001; ExAC 0.00001; gnomAD 0.00001.
gnomAD v4.1: 16 of 1,614,038 alleles (0.00099%); highest among the groups gnomAD compares: South Asian, 0.0044%; no homozygotes.

Submissions (2):

Labcorp Genetics (formerly Invitae), Labcorp
Classification: Uncertain significance. Last evaluated: 2026-01-19. Review status: criteria provided, single submitter. Criteria: Invitae Variant Classification Sherloc (09022015). Collection method: clinical testing. Allele origin: germline.
Comment: This sequence change replaces arginine, which is basic and polar, with glutamine, which is neutral and polar, at codon 420 of the MACF1 protein (p.Arg420Gln). This variant is present in population databases (rs778364941, gnomAD 0.004%). This variant has not been reported in the literature in individuals affected with MACF1-related conditions. ClinVar contains an entry for this variant (Variation ID: 3057975). An algorithm developed to predict the effect of missense changes on protein structure and function (PolyPhen-2) suggests that this variant is likely to be disruptive. In summary, the available evidence is currently insufficient to determine the role of this variant in disease. Therefore, it has been classified as a Variant of Uncertain Significance.

PreventionGenetics, part of Exact Sciences
Classification: Likely benign for MACF1-related condition. Last evaluated: 2023-11-07. Review status: no assertion criteria provided. Collection method: clinical testing. Allele origin: germline. Not counted in ClinVar's aggregate classification.
Comment: This variant is classified as likely benign based on ACMG/AMP sequence variant interpretation guidelines (Richards et al. 2015 PMID: 25741868, with internal and published modifications).